The following is an entry in ClinVar:

NM_001184880.2(PCDH19):c.1914T>G (p.Tyr638Ter)

Gene: PCDH19 (protocadherin 19; minus strand). Cytogenetic location: Xq22.1.
Variant type: single nucleotide variant.
Coding change: c.1914T>G on transcript NM_001184880.2 (MANE Select); coding-DNA position 1914, T replaced by G.
Protein change: p.Tyr638Ter; replaces tyrosine 638 with a stop codon.
Molecular consequence: nonsense.
Genome position (GRCh38, 1-based): chrX:100,406,684, A>C on the plus strand (T>G on the coding strand, the complement: PCDH19 is on the minus strand). VCF-style: chrX-100406684-A-C. GRCh37 (hg19) VCF-style: chrX-99661682-A-C.
Other names: p.Tyr638*; c.1914T>G, p.Tyr638Ter (NM_001105243.2, NM_020766.3); short protein forms Y638*.
Identifiers: ClinVar variation 3380924 (VCV003380924.3).

ClinVar aggregate classification (germline): Pathogenic/Likely pathogenic. Review status: criteria provided, multiple submitters, no conflicts (2 of 4 stars). 2 submissions from 2 submitters: Pathogenic (1); Likely pathogenic (1). Last evaluated 2024-04-27.

Conditions:
Developmental and epileptic encephalopathy, 9 (DEE9). Also called: Early infantile epileptic encephalopathy 9; JUBERG-HELLMAN SYNDROME; EPILEPSY, FEMALE-RESTRICTED, WITH MENTAL RETARDATION; PCDH19-Related X-Linked Female-Limited Epilepsy with Mental Retardation. Identifiers: Orphanet 101039, Orphanet 2076, MedGen C1848137, MONDO:0010246, OMIM 300088. Disease mechanism: loss of function.

Submissions (2):

Labcorp Genetics (formerly Invitae), Labcorp
Classification: Pathogenic for Developmental and epileptic encephalopathy, 9. Last evaluated: 2024-04-27. Review status: criteria provided, single submitter. Criteria: Invitae Variant Classification Sherloc (09022015). Collection method: clinical testing. Allele origin: germline.
Comment: This sequence change creates a premature translational stop signal (p.Tyr638*) in the PCDH19 gene. It is expected to result in an absent or disrupted protein product. Loss-of-function variants in PCDH19 are known to be pathogenic (PMID: 21053371). This variant is not present in population databases (gnomAD no frequency). This variant has not been reported in the literature in individuals affected with PCDH19-related conditions. For these reasons, this variant has been classified as Pathogenic.

Mayo Clinic Laboratories, Mayo Clinic
Classification: Likely pathogenic. Last evaluated: 2024-03-27. Review status: criteria provided, single submitter. Criteria: ACMG Guidelines, 2015. Collection method: clinical testing. Allele origin: germline. Observed: 2 variant alleles.
Comment: PM2_moderate, PVS1

Literature cited by the submitters: PubMed 21053371 (cited by Labcorp Genetics (formerly Invitae), Labcorp).